The following is an entry in ClinVar:

ClinVar aggregate classification (germline): Pathogenic/Likely pathogenic. Review status: criteria provided, multiple submitters, no conflicts (2 of 4 stars). 3 submissions from 3 submitters: Pathogenic (1); Likely pathogenic (2). Last evaluated 2023-07-11.

Conditions:
Hereditary cancer-predisposing syndrome. Also called: Neoplastic Syndromes, Hereditary; Hereditary neoplastic syndrome; Tumor predisposition; Hereditary Cancer Syndrome. Identifiers: Orphanet 140162, MedGen C0027672, MeSH D009386, MONDO:0015356.
Birt-Hogg-Dube syndrome. Also called: Birt Hogg Dubé syndrome. Identifiers: Orphanet 122, MedGen C0346010, MONDO:0800444.

Submissions (3):

Women's Health and Genetics/Laboratory Corporation of America, LabCorp
Classification: Likely pathogenic for Birt-Hogg-Dube syndrome. Last evaluated: 2023-07-11. Review status: criteria provided, single submitter. Criteria: LabCorp Variant Classification Summary - May 2015. Collection method: clinical testing. Allele origin: germline.
Comment: Variant summary: FLCN c.1616dupT (p.Ala541CysfsX61) causes a frameshift which results in an extension of the protein. Although the variant is not predicted to cause absence of the protein through nonsense mediated decay, the variant disrupts the last 39 amino acids in the encoded protein and extends the protein by 21 amino acids. Variants in this disrupted region have been previously classified as pathogenic (ClinVar 428647), suggesting this region of the FLCN protein may be clinically significant. The variant was absent in 251496 control chromosomes (gnomAD). To our knowledge, no occurrence of c.1616dupT in individuals affected with Birt-Hogg-Dube Syndrome and no experimental evidence demonstrating its impact on protein function have been reported. Two ClinVar submitters have assessed this variant since 2014: one classified the variant as likely pathogenic and one as pathogenic. Based on the evidence outlined above, the variant was classified as likely pathogenic.

Ambry Genetics
Classification: Likely pathogenic for Hereditary cancer-predisposing syndrome. Last evaluated: 2021-01-08. Review status: criteria provided, single submitter. Criteria: Ambry Variant Classification Scheme 2023. Collection method: clinical testing. Allele origin: germline.
Comment: The c.1616dupT variant, located in coding exon 11 of the FLCN gene, results from a duplication of T at nucleotide position 1616, causing a translational frameshift with a predicted alternate stop codon (p.A541Cfs*61). This alteration occurs at the 3' terminus of theFLCN gene, is not expected to trigger nonsense-mediated mRNAdecay and results in the elongation of the protein by 20 amino acids. This frameshift impacts the last 7%/39AAamino acids of the native protein. However, frameshifts are typically deleterious in nature, and there are multiple similar alterations classified as pathogenic including FLCN c.1597_1598delCA (p.Q533Efs*68) and FLCN c.1579_1580insA (p.R527Qfs*75) (Ambry Internal Data; Furuya M et al. Am J Surg Pathol, 2012 Apr;36:589-600; Yang CY et al. J Postgrad Med;59:321-3; Liu L et al. Biomed Res Int, 2017 Jul;2017:8751384; Hou X et al. BMC Med Genet, 2018 01;19:14). This alteration has been observed in at least one individual with a personal and/or family history that is consistent with FLCN-related disease (Ambry internal data). This variant was not reported in population-based cohorts in the Genome Aggregation Database (gnomAD). Based on the majority of available evidence to date, this variant is likely to be pathogenic.

Labcorp Genetics (formerly Invitae), Labcorp
Classification: Pathogenic for Birt-Hogg-Dube syndrome. Last evaluated: 2020-09-05. Review status: criteria provided, single submitter. Criteria: Invitae Variant Classification Sherloc (09022015). Collection method: clinical testing. Allele origin: germline.
Comment: For these reasons, this variant has been classified as Pathogenic. This variant disrupts a portion of the C-terminus of the FLCN protein containing the minimal binding region for interaction with FNIP1/2 (residues 517-579) (PMID: 17028174, 18403135, 18663353, 22977732). Other variant(s) that disrupt this region (p.Trp553*) have been determined to be pathogenic (PMID: 28558743). This suggests that variants that disrupt this region of the protein are likely to be causative of disease. This variant has not been reported in the literature in individuals with FLCN-related conditions. This variant is not present in population databases (ExAC no frequency). This sequence change results in a frameshift in the FLCN gene (p.Ala541Cysfs*61). While this is not anticipated to result in nonsense mediated decay, it is expected to disrupt the last 40 amino acids of the FLCN protein and extend the protein by an additional 21 amino acids.

Literature cited by the submitters: PubMed 22441547 (cited by Ambry Genetics); PubMed 24346394 (cited by Ambry Genetics); PubMed 28785590 (cited by Ambry Genetics); PubMed 29357828 (cited by Ambry Genetics); PubMed 17028174 (cited by Labcorp Genetics (formerly Invitae), Labcorp); PubMed 18403135 (cited by Labcorp Genetics (formerly Invitae), Labcorp); PubMed 18663353 (cited by Labcorp Genetics (formerly Invitae), Labcorp); PubMed 22977732 (cited by Labcorp Genetics (formerly Invitae), Labcorp); PubMed 28558743 (cited by Labcorp Genetics (formerly Invitae), Labcorp).

NM_144997.7(FLCN):c.1616dup (p.Ala541fs)

Gene: FLCN (folliculin; minus strand). Cytogenetic location: 17p11.2.
Variant type: Duplication.
Coding change: c.1616dup on transcript NM_144997.7 (MANE Select); coding-DNA position 1616, one base duplicated (T; older notation c.1616dupT).
Protein change: p.Ala541fs; shifts the reading frame from alanine 541.
Molecular consequence: frameshift variant.
Genome position (GRCh38, 1-based): chr17:17,213,779, A duplicated on the plus strand (T on the coding strand, the reverse complement: FLCN is on the minus strand). VCF-style (leftmost placement, unchanged base first): chr17-17213778-C-CA. GRCh37 (hg19) VCF-style: chr17-17117092-C-CA.
Other names: c.1670dup, p.Ala559fs (NM_001353229.2); c.1616dup, p.Ala541fs (NM_001353230.2, NM_001353231.2); short protein forms A541fs, A559fs.
Identifiers: ClinVar variation 1076330 (VCV001076330.8), dbSNP rs2144810362, ClinGen allele CA2499223911.